The following is an entry in ClinVar:

ClinVar aggregate classification (germline): Likely benign (0 of 4 stars; one submission).

Conditions:
NRP2-related disorder. Also called: NRP2-related condition.

Allele frequency attached by ClinVar (database versions not stated): ExAC 0.00029; 1000 Genomes Project 0.00060; 1000 Genomes Project 30x 0.00062; ESP Exome Variant Server 0.00085; gnomAD 0.00093; TOPMed 0.00095.
gnomAD v4.1: 342 of 1,611,826 alleles (0.021%); highest among the groups gnomAD compares: African/African-American, 0.37%; 2 homozygotes.

Submission:

PreventionGenetics, part of Exact Sciences
Classification: Likely benign for NRP2-related condition. Last evaluated: 2021-09-30. Review status: no assertion criteria provided. Collection method: clinical testing. Allele origin: germline.
Comment: This variant is classified as likely benign based on ACMG/AMP sequence variant interpretation guidelines (Richards et al. 2015 PMID: 25741868, with internal and published modifications).

NM_003872.3(NRP2):c.1641+28C>T

Gene: NRP2 (neuropilin 2; plus strand). Cytogenetic location: 2q33.3.
Variant type: single nucleotide variant.
Coding change: c.1641+28C>T on transcript NM_003872.3 (MANE Select); 28 bases into the intron after coding-DNA position 1641, C replaced by T.
Molecular consequence: intron variant. On other transcripts: 3 prime UTR variant (1).
Genome position (GRCh38, 1-based): chr2:205,743,580, C>T. VCF-style: chr2-205743580-C-T. GRCh37 (hg19) VCF-style: chr2-206608304-C-T.
Other names: c.*1C>T (NM_201264.2); c.1641+28C>T (NM_201266.2, NM_201279.2, NM_018534.4 and 1 more transcripts).
Identifiers: ClinVar variation 3038752 (VCV003038752.2), dbSNP rs113407305, ClinGen allele CA2069140.